The following is an entry in ClinVar:

NM_001848.3(COL6A1):c.1656C>T (p.Ala552=)

Gene: COL6A1 (collagen type VI alpha 1 chain; plus strand). Cytogenetic location: 21q22.3.
Variant type: single nucleotide variant.
Coding change: c.1656C>T on transcript NM_001848.3 (MANE Select); coding-DNA position 1656, C replaced by T.
Protein change: p.Ala552=; no amino-acid change (alanine 552 retained).
Molecular consequence: synonymous variant.
Genome position (GRCh38, 1-based): chr21:45,998,941, C>T. VCF-style: chr21-45998941-C-T. GRCh37 (hg19) VCF-style: chr21-47418855-C-T.
Identifiers: ClinVar variation 286207 (VCV000286207.26), dbSNP rs377213930, ClinGen allele CA10070462.

ClinVar aggregate classification (germline): Conflicting classifications of pathogenicity. Review status: criteria provided, conflicting classifications (1 of 4 stars). 4 submissions from 4 submitters: Uncertain significance (1); Likely benign (3). Last evaluated 2025-06-01.

Conditions:
Bethlem myopathy 1A. Also called: Bethlem myopathy 1; Bethlem Muscular Dystrophy; MYOPATHY, BENIGN CONGENITAL, WITH CONTRACTURES. Identifiers: Orphanet 610, MedGen CN029274, MONDO:0024530, OMIM 158810.

Allele frequency attached by ClinVar (database versions not stated): gnomAD 0.00003 and 0.00004; gnomAD exomes 0.00004 and 0.00011; TOPMed 0.00004; ExAC 0.00005; ESP Exome Variant Server 0.00008.
gnomAD v4.1: 158 of 1,554,886 alleles (0.01%); highest among the groups gnomAD compares: Non-Finnish European, 0.013%; no homozygotes.

Submissions (4):

CeGaT Center for Human Genetics Tuebingen
Classification: Likely benign. Last evaluated: 2025-06-01. Review status: criteria provided, single submitter. Criteria: CeGaT Center For Human Genetics Tuebingen Variant Classification Criteria Version 2. Collection method: clinical testing. Allele origin: germline. Affected: yes. Observed: 1 variant allele.
Comment: COL6A1: BP4, BP7

Labcorp Genetics (formerly Invitae), Labcorp
Classification: Likely benign for Bethlem myopathy 1A. Last evaluated: 2024-04-29. Review status: criteria provided, single submitter. Criteria: Invitae Variant Classification Sherloc (09022015). Collection method: clinical testing. Allele origin: germline.

GeneDx
Classification: Likely benign. Last evaluated: 2019-05-21. Review status: criteria provided, single submitter. Criteria: GeneDx Variant Classification Process June 2021. Collection method: clinical testing. Allele origin: germline. Affected: yes.

Eurofins Ntd Llc (ga)
Classification: Uncertain significance. Last evaluated: 2016-02-09. Review status: criteria provided, single submitter. Criteria: EGL Classification Definitions 2015. Collection method: clinical testing. Allele origin: germline. Observed: 1 variant allele, 1 heterozygote.